The following is an entry in ClinVar:

NM_006514.4(SCN10A):c.558A>C (p.Arg186Ser)

Gene: SCN10A (sodium voltage-gated channel alpha subunit 10; minus strand). Cytogenetic location: 3p22.2.
Variant type: single nucleotide variant.
Coding change: c.558A>C on transcript NM_006514.4 (MANE Select); coding-DNA position 558, A replaced by C.
Protein change: p.Arg186Ser; replaces arginine 186 with serine.
Molecular consequence: missense variant.
Genome position (GRCh38, 1-based): chr3:38,771,320, T>G on the plus strand (A>C on the coding strand, the complement: SCN10A is on the minus strand). VCF-style: chr3-38771320-T-G. GRCh37 (hg19) VCF-style: chr3-38812811-T-G.
Other names: c.558A>C, p.Arg186Ser (NM_001293306.2, NM_001293307.2); short protein forms R186S.
Identifiers: ClinVar variation 1748461 (VCV001748461.2), dbSNP rs932283233, ClinGen allele CA72954402.

ClinVar aggregate classification (germline): Uncertain significance (1 of 4 stars; one submission).

Conditions:
Cardiovascular phenotype. Identifiers: MedGen CN230736.

Allele frequency attached by ClinVar (database versions not stated): gnomAD 0.00001; TOPMed 0.00001.
gnomAD v4.1: 1 of 1,614,048 alleles (0.000062%); highest among the groups gnomAD compares: African/African-American, 0.0013%; no homozygotes.

Submission:

Ambry Genetics
Classification: Uncertain significance for Cardiovascular phenotype. Last evaluated: 2020-03-17. Review status: criteria provided, single submitter. Criteria: Ambry Variant Classification Scheme 2023. Collection method: clinical testing. Allele origin: germline.
Comment: The p.R186S variant (also known as c.558A>C), located in coding exon 4 of the SCN10A gene, results from an A to C substitution at nucleotide position 558. The arginine at codon 186 is replaced by serine, an amino acid with dissimilar properties. This amino acid position is highly conserved in available vertebrate species. In addition, this alteration is predicted to be deleterious by in silico analysis. Since supporting evidence is limited at this time, the clinical significance of this alteration remains unclear.